The following is an entry in ClinVar:

ClinVar aggregate classification (germline): Uncertain significance (1 of 4 stars; one submission).

Conditions:
Inborn genetic diseases. Identifiers: MedGen C0950123, MeSH D030342.

Submission:

Ambry Genetics
Classification: Uncertain significance for Inborn genetic diseases. Last evaluated: 2025-02-20. Review status: criteria provided, single submitter. Criteria: Ambry Variant Classification Scheme 2023. Collection method: clinical testing. Allele origin: germline.
Comment: The p.D592Y variant (also known as c.1774G>T), located in coding exon 8 of the MECOM gene, results from a G to T substitution at nucleotide position 1774. The aspartic acid at codon 592 is replaced by tyrosine, an amino acid with highly dissimilar properties. This amino acid position is conserved. In addition, the in silico prediction for this alteration is inconclusive. Based on the available evidence, the clinical significance of this variant remains unclear.

NM_004991.4(MECOM):c.1774G>T (p.Asp592Tyr)

Gene: MECOM (MDS1 and EVI1 complex locus; minus strand). Cytogenetic location: 3q26.2.
Variant type: single nucleotide variant.
Coding change: c.1774G>T on transcript NM_004991.4 (MANE Select); coding-DNA position 1774, G replaced by T.
Protein change: p.Asp592Tyr; replaces aspartic acid 592 with tyrosine.
Molecular consequence: missense variant. On other transcripts: intron variant (2).
Genome position (GRCh38, 1-based): chr3:169,116,098, C>A on the plus strand (G>T on the coding strand, the complement: MECOM is on the minus strand). VCF-style: chr3-169116098-C-A. GRCh37 (hg19) VCF-style: chr3-168833886-C-A.
Other names: c.1405G>T, p.Asp469Tyr (NM_001105077.4); c.1210G>T, p.Asp404Tyr (NM_001105078.4, NM_001164000.2, NM_001205194.2 and 4 more transcripts); c.1213G>T, p.Asp405Tyr (NM_001163999.2, NM_001366467.2, NM_001366468.2 and 1 more transcripts); c.1774G>T, p.Asp592Tyr (NM_001366466.2); c.1133-331G>T (NM_001366473.2); c.569-331G>T (NM_001366474.2); short protein forms D469Y, D405Y, D404Y, D592Y.
Identifiers: ClinVar variation 3871846 (VCV003871846.1).